The following is an entry in ClinVar:

NM_001080453.3(INTS1):c.4120C>T (p.Arg1374Cys)

Gene: INTS1 (integrator complex subunit 1; minus strand). Cytogenetic location: 7p22.3.
Variant type: single nucleotide variant.
Coding change: c.4120C>T on transcript NM_001080453.3 (MANE Select); coding-DNA position 4120, C replaced by T.
Protein change: p.Arg1374Cys; replaces arginine 1374 with cysteine.
Molecular consequence: missense variant.
Genome position (GRCh38, 1-based): chr7:1,479,639, G>A on the plus strand (C>T on the coding strand, the complement: INTS1 is on the minus strand). VCF-style: chr7-1479639-G-A. GRCh37 (hg19) VCF-style: chr7-1519275-G-A.
Other names: short protein forms R1374C.
Identifiers: ClinVar variation 4686793 (VCV004686793.1).

ClinVar aggregate classification (germline): Uncertain significance (1 of 4 stars; one submission).

gnomAD v4.1: 78 of 1,509,082 alleles (0.0052%); highest among the groups gnomAD compares: African/African-American, 0.05%; no homozygotes.

Submission:

GeneDx
Classification: Uncertain significance. Last evaluated: 2025-07-25. Review status: criteria provided, single submitter. Criteria: GeneDx Variant Classification Process June 2021. Collection method: clinical testing. Allele origin: germline. Affected: yes.
Comment: In silico analysis supports that this missense variant has a deleterious effect on protein structure/function; Has not been previously published as pathogenic or benign to our knowledge